The following is an entry in ClinVar:

ClinVar aggregate classification (germline): Likely pathogenic (1 of 4 stars; one submission).

Submission:

Dasa
Classification: Likely pathogenic. Last evaluated: 2025-05-16. Review status: criteria provided, single submitter. Criteria: DASA Assertion Criteria. Collection method: clinical testing. Allele origin: germline.
Comment: NM_001698.3(AUH):c.830_831dup (p.Phe278Serfs*10) is a frameshift variant in AUH predicted to alter the reading frame and introduce a premature termination codon and is predicted to result in an absent or altered protein product. Loss of function is an established disease mechanism for AUH-associated disorders. Also, this variant is absent from population databases. Based on the currently available evidence, this variant is classified as likely pathogenic.

NM_001698.3(AUH):c.830_831dup (p.Phe278fs)

Gene: AUH (AU RNA binding methylglutaconyl-CoA hydratase; minus strand). Cytogenetic location: 9q22.31.
Variant type: Microsatellite.
Coding change: c.830_831dup on transcript NM_001698.3 (MANE Select); coding-DNA positions 830 to 831, 2 bases duplicated (AG; older notation c.830_831dupAG).
Protein change: p.Phe278fs; shifts the reading frame from phenylalanine 278.
Molecular consequence: frameshift variant.
Genome position (GRCh38, 1-based): chr9:91,220,817-91,220,818, CT duplicated on the plus strand (AG on the coding strand, the reverse complement: AUH is on the minus strand); duplicating any 2 consecutive bases within chr9:91,220,817-91,220,823 gives the same sequence; the c. name uses the placement nearest the transcript's 3' end. VCF-style (leftmost placement, unchanged base first): chr9-91220816-A-ACT. GRCh37 (hg19) VCF-style: chr9-93983098-A-ACT.
Other names: c.743_744dup, p.Phe249fs (NM_001306190.2); c.503_504dup, p.Phe169fs (NM_001351431.2, NM_001351432.2, NM_001351433.2); short protein forms F169fs, F249fs, F278fs.
Identifiers: ClinVar variation 4880680 (VCV004880680.2).